The following is an entry in ClinVar:

ClinVar aggregate classification (germline): Uncertain significance (1 of 4 stars; one submission).

Allele frequency attached by ClinVar (database versions not stated): TOPMed below 0.00001; gnomAD 0.00001; gnomAD exomes 0.00004.
gnomAD v4.1: 4 of 1,458,078 alleles (0.00027%); highest among the groups gnomAD compares: Admixed American, 0.005%; no homozygotes.

Submission:

Labcorp Genetics (formerly Invitae), Labcorp
Classification: Uncertain significance. Last evaluated: 2024-11-25. Review status: criteria provided, single submitter. Criteria: Invitae Variant Classification Sherloc (09022015). Collection method: clinical testing. Allele origin: germline.
Comment: This sequence change replaces glutamic acid, which is acidic and polar, with aspartic acid, which is acidic and polar, at codon 111 of the ADAMTS17 protein (p.Glu111Asp). This variant is present in population databases (no rsID available, gnomAD 0.01%). This variant has not been reported in the literature in individuals affected with ADAMTS17-related conditions. ClinVar contains an entry for this variant (Variation ID: 1461230). An algorithm developed to predict the effect of missense changes on protein structure and function (PolyPhen-2) suggests that this variant is likely to be disruptive. In summary, the available evidence is currently insufficient to determine the role of this variant in disease. Therefore, it has been classified as a Variant of Uncertain Significance.

NM_139057.4(ADAMTS17):c.333G>C (p.Glu111Asp)

Gene: ADAMTS17 (ADAM metallopeptidase with thrombospondin type 1 motif 17; minus strand). Cytogenetic location: 15q26.3.
Variant type: single nucleotide variant.
Coding change: c.333G>C on transcript NM_139057.4 (MANE Select); coding-DNA position 333, G replaced by C.
Protein change: p.Glu111Asp; replaces glutamic acid 111 with aspartic acid.
Molecular consequence: missense variant.
Genome position (GRCh38, 1-based): chr15:100,341,156, C>G on the plus strand (G>C on the coding strand, the complement: ADAMTS17 is on the minus strand). VCF-style: chr15-100341156-C-G. GRCh37 (hg19) VCF-style: chr15-100881361-C-G.
Other names: short protein forms E111D.
Identifiers: ClinVar variation 1461230 (VCV001461230.6), dbSNP rs1158433257, ClinGen allele CA394524986.
Genomic context (GRCh38, chr15:100,341,156, plus strand): 5'-CACACGGCCCGAGTAGAAGCACAGCTCGGCGGGGCGGCCGCGGCGCCGGGCCGCGCCCGC[C>G]TCCTCCACCTCGAAGCCTCGGGACAGGAAGCGCAGGTCGCGGCGCAGCTGAAGGTACAGG-3'
Protein context (NP_620688.2, residues 101-121): RFLSRGFEVE[Glu111Asp]AGAARRRGRP